The following is an entry in ClinVar:

NM_198578.4(LRRK2):c.*1388T>C

Gene: LRRK2 (leucine rich repeat kinase 2; plus strand). Cytogenetic location: 12q12.
Variant type: single nucleotide variant.
Coding change: c.*1388T>C on transcript NM_198578.4 (MANE Select); 1388 bases downstream of the stop codon, T replaced by C.
Molecular consequence: 3 prime UTR variant.
Genome position (GRCh38, 1-based): chr12:40,369,153, T>C. VCF-style: chr12-40369153-T-C. GRCh37 (hg19) VCF-style: chr12-40762955-T-C.
Identifiers: ClinVar variation 308677 (VCV000308677.5), dbSNP rs200410756, ClinGen allele CA10637389.
Genomic context (GRCh38, chr12:40,369,153, plus strand): 5'-TCTGTATTTTAAAGGAAGCTATGCTTTAACTTGTTATGTAATTAACAAAAAAATCATATA[T>C]AATAGAGCTCTTTGTTCCAGTGTTATCTCTTTCATTGTTACTTTGTATTTGCAATTTTTT-3'

ClinVar aggregate classification (germline): Likely benign (1 of 4 stars; one submission).

Conditions:
Autosomal dominant Parkinson disease 8. Also called: LRRK2-Related Parkinson Disease; Parkinson disease 8; Parkinson disease 8, susceptibility to. Identifiers: Orphanet 411602, MedGen C1846862, MONDO:0011764, OMIM 607060.

Allele frequency attached by ClinVar (database versions not stated): gnomAD 0.00020 and 0.00022; TOPMed 0.00020; 1000 Genomes Project 0.00040; 1000 Genomes Project 30x 0.00047.
gnomAD v4.1: 33 of 152,028 alleles (0.022%); highest among the groups gnomAD compares: Middle Eastern, 0.34%; no homozygotes.

Submission:

Illumina Laboratory Services, Illumina
Classification: Likely benign for Autosomal dominant Parkinson disease 8. Last evaluated: 2018-01-12. Review status: criteria provided, single submitter. Criteria: ICSL Variant Classification Criteria 13 December 2019. Collection method: clinical testing. Allele origin: germline.
Comment: This variant was observed in the ICSL laboratory as part of a predisposition screen in an ostensibly healthy population. It had not been previously curated by ICSL or reported in the Human Gene Mutation Database (HGMD: prior to June 1st, 2018), and was therefore a candidate for classification through an automated scoring system. Utilizing variant allele frequency, disease prevalence and penetrance estimates, and inheritance mode, an automated score was calculated to assess if this variant is too frequent to cause the disease. Based on the score and internal cut-off values, a variant classified as likely benign is not then subjected to further curation. The score for this variant resulted in a classification of likely benign for this disease.